The following is an entry in ClinVar:

ClinVar aggregate classification (germline): Likely benign. Review status: criteria provided, multiple submitters, no conflicts (2 of 4 stars). 3 submissions from 3 submitters: Likely benign (3). Last evaluated 2026-01-28.

Conditions:
Idiopathic Pulmonary Fibrosis. Also called: Idiopathic fibrosing alveolitis, chronic form; idiopathic fibrosing alveolitis. Identifiers: Orphanet 2032, MedGen C1800706, MeSH D054990, MONDO:0800504.
Dyskeratosis congenita, autosomal dominant 2. Identifiers: MedGen C3151443, MONDO:0013521, OMIM 613989.
Dyskeratosis congenita. Identifiers: Orphanet 1775, MedGen C0265965, MONDO:0015780.

Allele frequency attached by ClinVar (database versions not stated): ExAC below 0.00001; gnomAD exomes 0.00001 and 0.00002; gnomAD 0.00002; TOPMed 0.00002; ESP Exome Variant Server 0.00008.
gnomAD v4.1: 20 of 1,573,884 alleles (0.0013%); highest among the groups gnomAD compares: Non-Finnish European, 0.0015%; no homozygotes.

Submissions (3):

Labcorp Genetics (formerly Invitae), Labcorp
Classification: Likely benign for Dyskeratosis congenita, autosomal dominant 2; Idiopathic Pulmonary Fibrosis. Last evaluated: 2026-01-28. Review status: criteria provided, single submitter. Criteria: Invitae Variant Classification Sherloc (09022015). Collection method: clinical testing. Allele origin: germline.

CeGaT Center for Human Genetics Tuebingen
Classification: Likely benign. Last evaluated: 2022-11-01. Review status: criteria provided, single submitter. Criteria: CeGaT Center For Human Genetics Tuebingen Variant Classification Criteria Version 2. Collection method: clinical testing. Allele origin: germline. Affected: yes. Observed: 1 variant allele.
Comment: TERT: BP4, BP7

Ambry Genetics
Classification: Likely benign for Dyskeratosis congenita. Last evaluated: 2022-03-12. Review status: criteria provided, single submitter. Criteria: Ambry Variant Classification Scheme 2023. Collection method: clinical testing. Allele origin: germline.

NM_198253.3(TERT):c.2061C>T (p.His687=)

Gene: TERT (telomerase reverse transcriptase; minus strand). Cytogenetic location: 5p15.33.
Variant type: single nucleotide variant.
Coding change: c.2061C>T on transcript NM_198253.3 (MANE Select); coding-DNA position 2061, C replaced by T.
Protein change: p.His687=; no amino-acid change (histidine 687 retained).
Molecular consequence: synonymous variant. On other transcripts: non-coding transcript variant (2).
Genome position (GRCh38, 1-based): chr5:1,279,360, G>A on the plus strand (C>T on the coding strand, the complement: TERT is on the minus strand). VCF-style: chr5-1279360-G-A. GRCh37 (hg19) VCF-style: chr5-1279475-G-A.
Other names: c.2061C>T, p.His687= (NM_001193376.3).
Identifiers: ClinVar variation 701748 (VCV000701748.36), dbSNP rs370486790, ClinGen allele CA3184678.